The following is an entry in ClinVar:

NM_000390.4(CHM):c.286C>T (p.Gln96Ter)

Gene: CHM (CHM Rab escort protein; minus strand). Cytogenetic location: Xq21.2.
Variant type: single nucleotide variant.
Coding change: c.286C>T on transcript NM_000390.4 (MANE Select); coding-DNA position 286, C replaced by T.
Protein change: p.Gln96Ter; replaces glutamine 96 with a stop codon.
Molecular consequence: nonsense. On other transcripts: 5 prime UTR variant (4).
Genome position (GRCh38, 1-based): chrX:85,978,795, G>A on the plus strand (C>T on the coding strand, the complement: CHM is on the minus strand). VCF-style: chrX-85978795-G-A. GRCh37 (hg19) VCF-style: chrX-85233799-G-A.
Other names: c.-155C>T (NM_001362519.1, NM_001362518.2); c.286C>T, p.Gln96Ter (NM_001145414.4); c.-159C>T (NM_001320959.1, NM_001362517.1); short protein forms Q96*.
Identifiers: ClinVar variation 942649 (VCV000942649.8), dbSNP rs1931431411, ClinGen allele CA413787826.

ClinVar aggregate classification (germline): Pathogenic. Review status: criteria provided, multiple submitters, no conflicts (2 of 4 stars). 2 submissions from 2 submitters: Pathogenic (2). Last evaluated 2023-10-01.

Conditions:
Retinal dystrophy. Also called: Inherited retinal dystrophy. Identifiers: Orphanet 71862, MedGen C0854723, MeSH D058499, MONDO:0019118, HP:0000556.

Submissions (2):

Dept Of Ophthalmology, Nagoya University
Classification: Pathogenic for Retinal dystrophy. Last evaluated: 2023-10-01. Review status: criteria provided, single submitter. Criteria: Submitter's publication. Collection method: research. Allele origin: germline. Affected: yes.

Labcorp Genetics (formerly Invitae), Labcorp
Classification: Pathogenic. Last evaluated: 2023-09-14. Review status: criteria provided, single submitter. Criteria: Invitae Variant Classification Sherloc (09022015). Collection method: clinical testing. Allele origin: germline.
Comment: This sequence change creates a premature translational stop signal (p.Gln96*) in the CHM gene. It is expected to result in an absent or disrupted protein product. Loss-of-function variants in CHM are known to be pathogenic (PMID: 9067750, 23811034). This variant is not present in population databases (gnomAD no frequency). This variant has not been reported in the literature in individuals affected with CHM-related conditions. ClinVar contains an entry for this variant (Variation ID: 942649). For these reasons, this variant has been classified as Pathogenic.

Literature cited by the submitters: PubMed 9067750 (cited by Labcorp Genetics (formerly Invitae), Labcorp); PubMed 23811034 (cited by Labcorp Genetics (formerly Invitae), Labcorp).